The following is an entry in ClinVar:

NM_020778.5(ALPK3):c.4993C>T (p.Gln1665Ter)

Gene: ALPK3 (alpha kinase 3; plus strand). Cytogenetic location: 15q25.3.
Variant type: single nucleotide variant.
Coding change: c.4993C>T on transcript NM_020778.5 (MANE Select); coding-DNA position 4993, C replaced by T.
Protein change: p.Gln1665Ter; replaces glutamine 1665 with a stop codon.
Molecular consequence: nonsense.
Genome position (GRCh38, 1-based): chr15:84,868,331, C>T. VCF-style: chr15-84868331-C-T. GRCh37 (hg19) VCF-style: chr15-85411562-C-T.
Other names: short protein forms Q1665*.
Identifiers: ClinVar variation 2881325 (VCV002881325.3), dbSNP rs1407567336, ClinGen allele CA393366136.

ClinVar aggregate classification (germline): Uncertain significance (1 of 4 stars; one submission).

Allele frequency attached by ClinVar (database versions not stated): gnomAD exomes 0.00001.
gnomAD v4.1: 9 of 1,614,174 alleles (0.00056%); highest among the groups gnomAD compares: Non-Finnish European, 0.00068%; no homozygotes.

Submission:

Labcorp Genetics (formerly Invitae), Labcorp
Classification: Uncertain significance. Last evaluated: 2023-07-25. Review status: criteria provided, single submitter. Criteria: Invitae Variant Classification Sherloc (09022015). Collection method: clinical testing. Allele origin: germline.
Comment: This sequence change creates a premature translational stop signal (p.Gln1867*) in the ALPK3 gene. While this is not anticipated to result in nonsense mediated decay, it is expected to disrupt the last 41 amino acid(s) of the ALPK3 protein. This variant is not present in population databases (gnomAD no frequency). This variant has not been reported in the literature in individuals affected with ALPK3-related conditions. Experimental studies and prediction algorithms are not available or were not evaluated, and the functional significance of this variant is currently unknown. In summary, the available evidence is currently insufficient to determine the role of this variant in disease. Therefore, it has been classified as a Variant of Uncertain Significance.